The following is an entry in ClinVar:

NM_004519.4(KCNQ3):c.1964C>T (p.Thr655Met)

Gene: KCNQ3 (potassium voltage-gated channel subfamily Q member 3; minus strand). Cytogenetic location: 8q24.22.
Variant type: single nucleotide variant.
Coding change: c.1964C>T on transcript NM_004519.4 (MANE Select); coding-DNA position 1964, C replaced by T.
Protein change: p.Thr655Met; replaces threonine 655 with methionine.
Molecular consequence: missense variant.
Genome position (GRCh38, 1-based): chr8:132,129,917, G>A on the plus strand (C>T on the coding strand, the complement: KCNQ3 is on the minus strand). VCF-style: chr8-132129917-G-A. GRCh37 (hg19) VCF-style: chr8-133142164-G-A.
Other names: c.1604C>T, p.Thr535Met (NM_001204824.2); short protein forms T655M, T535M.
Identifiers: ClinVar variation 378036 (VCV000378036.38), dbSNP rs199942237, ClinGen allele CA4880531.

ClinVar aggregate classification (germline): Likely benign. Review status: criteria provided, multiple submitters, no conflicts (2 of 4 stars). 5 submissions from 5 submitters: Likely benign (5). Last evaluated 2025-12-22.

Conditions:
KCNQ3-related disorder. Also called: KCNQ3-related condition; KCNQ3-Related Disorders. Identifiers: MedGen CN381530.
Benign neonatal seizures. Also called: Benign familial neonatal seizures; Benign familial neonatal epilepsy; Convulsions benign familial neonatal dominant form; Autosomal dominant form of benign neonatal seizures; Benign neonatal familial convulsions. Identifiers: Orphanet 1949, MedGen C0220669, MONDO:0016027.
Inborn genetic diseases. Identifiers: MedGen C0950123, MeSH D030342.

Allele frequency attached by ClinVar (database versions not stated): ExAC 0.00018; gnomAD 0.00019; TOPMed 0.00019; gnomAD exomes 0.00021 and 0.00029.
gnomAD v4.1: 457 of 1,613,950 alleles (0.028%); highest among the groups gnomAD compares: Non-Finnish European, 0.034%; no homozygotes.

Submissions (5):

Labcorp Genetics (formerly Invitae), Labcorp
Classification: Likely benign for Benign neonatal seizures. Last evaluated: 2025-12-22. Review status: criteria provided, single submitter. Criteria: Invitae Variant Classification Sherloc (09022015). Collection method: clinical testing. Allele origin: germline.

PreventionGenetics, part of Exact Sciences
Classification: Likely benign for KCNQ3-related condition. Last evaluated: 2025-05-01. Review status: criteria provided, single submitter. Criteria: ACMG Guidelines, 2015. Collection method: clinical testing. Allele origin: germline.
Comment: This variant is classified as likely benign based on ACMG/AMP sequence variant interpretation guidelines (Richards et al. 2015 PMID: 25741868, with internal and published modifications).

CeGaT Center for Human Genetics Tuebingen
Classification: Likely benign. Last evaluated: 2023-08-01. Review status: criteria provided, single submitter. Criteria: CeGaT Center For Human Genetics Tuebingen Variant Classification Criteria Version 2. Collection method: clinical testing. Allele origin: germline. Affected: yes. Observed: 2 variant alleles.
Comment: KCNQ3: BS2

Ambry Genetics
Classification: Likely benign for Inborn genetic diseases. Last evaluated: 2022-08-18. Review status: criteria provided, single submitter. Criteria: Ambry Variant Classification Scheme 2023. Collection method: clinical testing. Allele origin: germline.

GeneDx
Classification: Likely benign. Last evaluated: 2019-07-15. Review status: criteria provided, single submitter. Criteria: GeneDx Variant Classification Process June 2021. Collection method: clinical testing. Allele origin: germline. Affected: yes.